The following is an entry in ClinVar:

NM_004991.4(MECOM):c.3362C>T (p.Thr1121Ile)

Gene: MECOM (MDS1 and EVI1 complex locus; minus strand). Cytogenetic location: 3q26.2.
Variant type: single nucleotide variant.
Coding change: c.3362C>T on transcript NM_004991.4 (MANE Select); coding-DNA position 3362, C replaced by T.
Protein change: p.Thr1121Ile; replaces threonine 1121 with isoleucine.
Molecular consequence: missense variant.
Genome position (GRCh38, 1-based): chr3:169,090,039, G>A on the plus strand (C>T on the coding strand, the complement: MECOM is on the minus strand). VCF-style: chr3-169090039-G-A. GRCh37 (hg19) VCF-style: chr3-168807827-G-A.
Other names: c.2993C>T, p.Thr998Ile (NM_001105077.4); c.2798C>T, p.Thr933Ile (NM_001105078.4, NM_001205194.2, NM_001366469.2 and 1 more transcripts); c.2774C>T, p.Thr925Ile (NM_001163999.2, NM_001366470.2); c.2771C>T, p.Thr924Ile (NM_001164000.2, NM_001366471.2, NM_001366472.2); c.3335C>T, p.Thr1112Ile (NM_001366466.2); c.2801C>T, p.Thr934Ile (NM_001366467.2, NM_001366468.2); c.2363C>T, p.Thr788Ile (NM_001366473.2); c.1799C>T, p.Thr600Ile (NM_001366474.2); short protein forms T925I, T1112I, T933I, T934I, T1121I, T788I, T924I, T998I.
Identifiers: ClinVar variation 3871772 (VCV003871772.1).
Genomic context (GRCh38, chr3:169,090,039, plus strand): 5'-AAAGTCACCCAAGGTACTCACCTCACTGGGGATGTCTTGCAACTCATCTCCAGGGCACTG[G>A]TTTCTTCATAGTCATCCTCAGGGTTTCCTTCATGTAAATTACTTGTCACTGGTTCCTTTC-3'
Protein context (NP_004982.2, residues 1111-1131): EGNPEDDYEE[Thr1121Ile]SALEMSCKTS

ClinVar aggregate classification (germline): Uncertain significance (1 of 4 stars; one submission).

Conditions:
Inborn genetic diseases. Identifiers: MedGen C0950123, MeSH D030342.

Submission:

Ambry Genetics
Classification: Uncertain significance for Inborn genetic diseases. Last evaluated: 2025-01-31. Review status: criteria provided, single submitter. Criteria: Ambry Variant Classification Scheme 2023. Collection method: clinical testing. Allele origin: germline.
Comment: The p.T1121I variant (also known as c.3362C>T), located in coding exon 15 of the MECOM gene, results from a C to T substitution at nucleotide position 3362. The threonine at codon 1121 is replaced by isoleucine, an amino acid with similar properties. This amino acid position is conserved. In addition, this alteration is predicted to be tolerated by in silico analysis. Based on the available evidence, the clinical significance of this variant remains unclear.